The following is an entry in ClinVar:

NM_001845.6(COL4A1):c.2983C>A (p.Pro995Thr)

Gene: COL4A1 (collagen type IV alpha 1 chain; minus strand). Cytogenetic location: 13q34.
Variant type: single nucleotide variant.
Coding change: c.2983C>A on transcript NM_001845.6 (MANE Select); coding-DNA position 2983, C replaced by A.
Protein change: p.Pro995Thr; replaces proline 995 with threonine.
Molecular consequence: missense variant.
Genome position (GRCh38, 1-based): chr13:110,176,499, G>T on the plus strand (C>A on the coding strand, the complement: COL4A1 is on the minus strand). VCF-style: chr13-110176499-G-T. GRCh37 (hg19) VCF-style: chr13-110828846-G-T.
Other names: short protein forms P995T.
Identifiers: ClinVar variation 3726650 (VCV003726650.2).

ClinVar aggregate classification (germline): Uncertain significance (1 of 4 stars; one submission).

gnomAD v4.1: 5 of 1,613,198 alleles (0.00031%); highest among the groups gnomAD compares: Non-Finnish European, 0.00042%; no homozygotes.

Submission:

Labcorp Genetics (formerly Invitae), Labcorp
Classification: Uncertain significance. Last evaluated: 2024-08-29. Review status: criteria provided, single submitter. Criteria: Invitae Variant Classification Sherloc (09022015). Collection method: clinical testing. Allele origin: germline.
Comment: This sequence change replaces proline, which is neutral and non-polar, with threonine, which is neutral and polar, at codon 995 of the COL4A1 protein (p.Pro995Thr). This variant is present in population databases (no rsID available, gnomAD 0.0009%). This variant has not been reported in the literature in individuals affected with COL4A1-related conditions. An algorithm developed to predict the effect of missense changes on protein structure and function (PolyPhen-2) suggests that this variant is likely to be disruptive. In summary, the available evidence is currently insufficient to determine the role of this variant in disease. Therefore, it has been classified as a Variant of Uncertain Significance.